The following is an entry in ClinVar:

ClinVar aggregate classification (germline): Uncertain significance (1 of 4 stars; one submission).

Conditions:
Malignant hyperthermia, susceptibility to, 5 (MHS5). Also called: CACNA1S-Related Malignant Hyperthermia Susceptibility. Identifiers: Orphanet 423, MedGen C1866077, MONDO:0011163, OMIM 601887.
Hypokalemic periodic paralysis, type 1. Also called: HypoPP; Hypokalemic Periodic Paralysis Type 1 (AD). Identifiers: Orphanet 681, MedGen C3714580, MONDO:0042979, OMIM 170400.

Submission:

Labcorp Genetics (formerly Invitae), Labcorp
Classification: Uncertain significance for Hypokalemic periodic paralysis, type 1; Malignant hyperthermia, susceptibility to, 5. Last evaluated: 2021-07-01. Review status: criteria provided, single submitter. Criteria: Invitae Variant Classification Sherloc (09022015). Collection method: clinical testing. Allele origin: germline.
Comment: This sequence change replaces glutamine with histidine at codon 674 of the CACNA1S protein (p.Gln674His). The glutamine residue is highly conserved and there is a small physicochemical difference between glutamine and histidine. This variant is not present in population databases (ExAC no frequency). This variant has not been reported in the literature in individuals affected with CACNA1S-related conditions. Advanced modeling of protein sequence and biophysical properties (such as structural, functional, and spatial information, amino acid conservation, physicochemical variation, residue mobility, and thermodynamic stability) performed at Invitae indicates that this missense variant is not expected to disrupt CACNA1S protein function. In summary, the available evidence is currently insufficient to determine the role of this variant in disease. Therefore, it has been classified as a Variant of Uncertain Significance.

NM_000069.3(CACNA1S):c.2022G>C (p.Gln674His)

Gene: CACNA1S (calcium voltage-gated channel subunit alpha1 S; minus strand). Cytogenetic location: 1q32.1.
Variant type: single nucleotide variant.
Coding change: c.2022G>C on transcript NM_000069.3 (MANE Select); coding-DNA position 2022, G replaced by C.
Protein change: p.Gln674His; replaces glutamine 674 with histidine.
Molecular consequence: missense variant.
Genome position (GRCh38, 1-based): chr1:201,074,547, C>G on the plus strand (G>C on the coding strand, the complement: CACNA1S is on the minus strand). VCF-style: chr1-201074547-C-G. GRCh37 (hg19) VCF-style: chr1-201043675-C-G.
Other names: short protein forms Q674H.
Identifiers: ClinVar variation 1371532 (VCV001371532.8), dbSNP rs2102138491, ClinGen allele CA344114696.